The following is an entry in ClinVar:

ClinVar aggregate classification (germline): Uncertain significance (1 of 4 stars; one submission).

Submission:

Labcorp Genetics (formerly Invitae), Labcorp
Classification: Uncertain significance. Last evaluated: 2022-06-13. Review status: criteria provided, single submitter. Criteria: Invitae Variant Classification Sherloc (09022015). Collection method: clinical testing. Allele origin: germline.
Comment: This sequence change replaces lysine, which is basic and polar, with arginine, which is basic and polar, at codon 292 of the TOP2B protein (p.Lys292Arg). In summary, the available evidence is currently insufficient to determine the role of this variant in disease. Therefore, it has been classified as a Variant of Uncertain Significance. Algorithms developed to predict the effect of missense changes on protein structure and function (SIFT, PolyPhen-2, Align-GVGD) all suggest that this variant is likely to be tolerated. This variant has not been reported in the literature in individuals affected with TOP2B-related conditions. This variant is not present in population databases (gnomAD no frequency).

NM_001330700.2(TOP2B):c.890A>G (p.Lys297Arg)

Gene: TOP2B (DNA topoisomerase II beta; minus strand). Cytogenetic location: 3p24.2.
Variant type: single nucleotide variant.
Coding change: c.890A>G on transcript NM_001330700.2 (MANE Select); coding-DNA position 890, A replaced by G.
Protein change: p.Lys297Arg; replaces lysine 297 with arginine.
Molecular consequence: missense variant.
Genome position (GRCh38, 1-based): chr3:25,633,977, T>C on the plus strand (A>G on the coding strand, the complement: TOP2B is on the minus strand). VCF-style: chr3-25633977-T-C. GRCh37 (hg19) VCF-style: chr3-25675468-T-C.
Other names: c.875A>G, p.Lys292Arg (NM_001068.3); short protein forms K292R, K297R.
Identifiers: ClinVar variation 1490485 (VCV001490485.8), dbSNP rs2125382619, ClinGen allele CA351911763.